The following is an entry in ClinVar:

ClinVar aggregate classification (germline): Pathogenic (1 of 4 stars; one submission).

Conditions:
Hereditary cancer-predisposing syndrome. Also called: Neoplastic Syndromes, Hereditary; Tumor predisposition; Hereditary Cancer Syndrome; Hereditary neoplastic syndrome. Identifiers: Orphanet 140162, MedGen C0027672, MeSH D009386, MONDO:0015356.

Submission:

Ambry Genetics
Classification: Pathogenic for Hereditary cancer-predisposing syndrome. Last evaluated: 2019-11-27. Review status: criteria provided, single submitter. Criteria: Ambry Variant Classification Scheme 2023. Collection method: clinical testing. Allele origin: germline.
Comment: The c.756_757dupTG pathogenic mutation, located in coding exon 7 of the PMS2 gene, results from a duplication of TG at nucleotide position 756, causing a translational frameshift with a predicted alternate stop codon (p.E253Vfs*6). This alteration is expected to result in loss of function by premature protein truncation or nonsense-mediated mRNA decay. As such, this alteration is interpreted as a disease-causing mutation.

NM_000535.7(PMS2):c.756_757dup (p.Glu253fs)

Gene: PMS2 (PMS1 homolog 2, mismatch repair system component; minus strand). Cytogenetic location: 7p22.1.
Variant type: Microsatellite.
Coding change: c.756_757dup on transcript NM_000535.7 (MANE Select); coding-DNA positions 756 to 757, 2 bases duplicated (TG; older notation c.756_757dupTG).
Protein change: p.Glu253fs; shifts the reading frame from glutamic acid 253.
Molecular consequence: frameshift variant. On other transcripts: 5 prime UTR variant (2), non-coding transcript variant (1).
Genome position (GRCh38, 1-based): chr7:5,997,372-5,997,373, CA duplicated on the plus strand (TG on the coding strand, the reverse complement: PMS2 is on the minus strand); duplicating any 2 consecutive bases within chr7:5,997,372-5,997,378 gives the same sequence; the c. name uses the placement nearest the transcript's 3' end. VCF-style (leftmost placement, unchanged base first): chr7-5997371-T-TCA. GRCh37 (hg19) VCF-style: chr7-6037002-T-TCA.
Other names: c.751_752GT[4], p.Glu253Valfs (NM_000535.5, NM_001406870.1, NM_001406871.1 and 2 more transcripts); c.346_347GT[4], p.Glu118Valfs (NM_001018040.1, NM_001406887.1, NM_001406888.1 and 15 more transcripts); c.351_352dup, p.Glu118fs (NM_001322003.2, NM_001322004.2, NM_001322005.2 and 2 more transcripts); c.756_757dup, p.Glu253fs (NM_001322006.2, NM_001322014.2); c.438_439dup, p.Glu147fs (NM_001322007.2, NM_001322008.2); c.-182TG[4] (NM_001322011.2, NM_001322012.2); c.183_184dup, p.Glu62fs (NM_001322013.2); c.447_448dup, p.Glu150fs (NM_001322015.2); and 10 more; short protein forms E150fs, E62fs, E118fs, E147fs, E253fs.
Identifiers: ClinVar variation 1759524 (VCV001759524.2), dbSNP rs1064794905, ClinGen allele CA2580615846.